The following is an entry in ClinVar:

ClinVar aggregate classification (germline): Uncertain significance (1 of 4 stars; one submission).

Conditions:
Inborn genetic diseases. Identifiers: MedGen C0950123, MeSH D030342.

Submission:

Ambry Genetics
Classification: Uncertain significance for Inborn genetic diseases. Last evaluated: 2025-07-12. Review status: criteria provided, single submitter. Criteria: Ambry Variant Classification Scheme 2023. Collection method: clinical testing. Allele origin: germline.
Comment: The p.Y953S variant (also known as c.2858A>C), located in coding exon 29 of the RTEL1 gene, results from an A to C substitution at nucleotide position 2858. The tyrosine at codon 953 is replaced by serine, an amino acid with dissimilar properties. This amino acid position is conserved. In addition, this alteration is predicted to be tolerated by in silico analysis. Based on the available evidence, the clinical significance of this variant remains unclear.

NM_001283009.2(RTEL1):c.2858A>C (p.Tyr953Ser)

Genes: RTEL1 (regulator of telomere elongation helicase 1; plus strand), RTEL1-TNFRSF6B (RTEL1-TNFRSF6B readthrough (NMD candidate); plus strand). Cytogenetic location: 20q13.33.
Variant type: single nucleotide variant.
Coding change: c.2858A>C on transcript NM_001283009.2 (MANE Select); coding-DNA position 2858, A replaced by C.
Protein change: p.Tyr953Ser; replaces tyrosine 953 with serine.
Molecular consequence: missense variant. On other transcripts: non-coding transcript variant (1).
Genome position (GRCh38, 1-based): chr20:63,693,149, A>C. VCF-style: chr20-63693149-A-C. GRCh37 (hg19) VCF-style: chr20-62324502-A-C.
Other names: c.2189A>C, p.Tyr730Ser (NM_001283010.1); c.2858A>C, p.Tyr953Ser (NM_016434.4); c.2930A>C, p.Tyr977Ser (NM_032957.5); short protein forms Y730S, Y953S, Y977S.
Identifiers: ClinVar variation 4157600 (VCV004157600.1).